The following is an entry in ClinVar:

NM_001267550.2(TTN):c.102130A>C (p.Ile34044Leu)

Genes: TTN-AS1 (TTN antisense RNA 1; plus strand), TTN (titin; minus strand). Cytogenetic location: 2q31.2.
Variant type: single nucleotide variant.
Coding change: c.102130A>C on transcript NM_001267550.2 (MANE Select); coding-DNA position 102130, A replaced by C.
Protein change: p.Ile34044Leu; replaces isoleucine 34044 with leucine.
Molecular consequence: missense variant.
Genome position (GRCh38, 1-based): chr2:178,534,485, T>G on the plus strand (A>C on the coding strand, the complement: TTN is on the minus strand). VCF-style: chr2-178534485-T-G. GRCh37 (hg19) VCF-style: chr2-179399212-T-G.
Other names: c.97207A>C, p.Ile32403Leu (NM_001256850.1); c.74935A>C, p.Ile24979Leu (NM_003319.4); c.94426A>C, p.Ile31476Leu (NM_133378.4); c.75310A>C, p.Ile25104Leu (NM_133432.3); c.75511A>C, p.Ile25171Leu (NM_133437.4); short protein forms I25104L, I25171L, I32403L, I34044L, I24979L, I31476L.
Identifiers: ClinVar variation 1357194 (VCV001357194.9), dbSNP rs1690568887, ClinGen allele CA349418292.

ClinVar aggregate classification (germline): Uncertain significance (1 of 4 stars; one submission).

Conditions:
Dilated cardiomyopathy 1G (CMD1G). Identifiers: Orphanet 154, MedGen C1858763, MONDO:0011400, OMIM 604145.
Autosomal recessive limb-girdle muscular dystrophy type 2J (LGMDR10). Also called: Limb-girdle muscular dystrophy, type 2J; MUSCULAR DYSTROPHY, LIMB-GIRDLE, AUTOSOMAL RECESSIVE 10. Identifiers: Orphanet 140922, MedGen C1837342, MONDO:0012127, OMIM 608807.

gnomAD v4.1: 10 of 1,613,782 alleles (0.00062%); highest among the groups gnomAD compares: Non-Finnish European, 0.00085%; no homozygotes.

Submission:

Labcorp Genetics (formerly Invitae), Labcorp
Classification: Uncertain significance for Dilated cardiomyopathy 1G; Autosomal recessive limb-girdle muscular dystrophy type 2J. Last evaluated: 2022-08-10. Review status: criteria provided, single submitter. Criteria: Invitae Variant Classification Sherloc (09022015). Collection method: clinical testing. Allele origin: germline.
Comment: In summary, the available evidence is currently insufficient to determine the role of this variant in disease. Therefore, it has been classified as a Variant of Uncertain Significance. This variant is located in the M band of TTN (PMID: 25589632). Variants in this region may be relevant for neuromuscular disorders, but have not been definitively shown to cause cardiomyopathy (PMID: 23975875). Algorithms developed to predict the effect of missense changes on protein structure and function output the following: SIFT: "Not Available"; PolyPhen-2: "Not Available"; Align-GVGD: "Not Available". The leucine amino acid residue is found in multiple mammalian species, which suggests that this missense change does not adversely affect protein function. ClinVar contains an entry for this variant (Variation ID: 1357194). This variant has not been reported in the literature in individuals affected with TTN-related conditions. This variant is not present in population databases (gnomAD no frequency). This sequence change replaces isoleucine, which is neutral and non-polar, with leucine, which is neutral and non-polar, at codon 34044 of the TTN protein (p.Ile34044Leu).

Literature cited by the submitters: PubMed 25589632; PubMed 23975875.